The following is an entry in ClinVar:

ClinVar aggregate classification (germline): Likely benign. Review status: criteria provided, multiple submitters, no conflicts (2 of 4 stars). 3 submissions from 3 submitters: Likely benign (3). Last evaluated 2024-10-01.

Conditions:
Charcot-Marie-Tooth disease. Also called: Charcot-Marie-Tooth Neuropathy; Charcot-Marie-Tooth Hereditary Neuropathy. Identifiers: Orphanet 166, MedGen C0007959, MONDO:0015626.

Allele frequency attached by ClinVar (database versions not stated): gnomAD exomes 0.00010; ExAC 0.00012; TOPMed 0.00013; gnomAD 0.00015.
gnomAD v4.1: 329 of 1,613,628 alleles (0.02%); highest among the groups gnomAD compares: Non-Finnish European, 0.027%; no homozygotes.

Submissions (3):

Blueprint Genetics
Classification: Likely benign. Last evaluated: 2024-10-01. Review status: criteria provided, single submitter. Criteria: ACMG Guidelines, 2015. Collection method: clinical testing. Allele origin: germline.

GeneDx
Classification: Likely benign. Last evaluated: 2017-07-17. Review status: criteria provided, single submitter. Criteria: GeneDx Variant Classification (06012015). Collection method: clinical testing. Allele origin: germline. Affected: yes.
Comment: This variant is considered likely benign or benign based on one or more of the following criteria: it is a conservative change, it occurs at a poorly conserved position in the protein, it is predicted to be benign by multiple in silico algorithms, and/or has population frequency not consistent with disease.

Molecular Genetics Laboratory, London Health Sciences Centre
Classification: Likely benign for Charcot-Marie-Tooth disease. Review status: criteria provided, single submitter. Criteria: ACMG Guidelines, 2015. Collection method: clinical testing. Allele origin: germline. Affected: yes.

NM_181882.3(PRX):c.-20A>C

Gene: PRX (periaxin; minus strand). Cytogenetic location: 19q13.2.
Variant type: single nucleotide variant.
Coding change: c.-20A>C on transcript NM_181882.3 (MANE Select); 20 bases upstream of the start codon, A replaced by C.
Molecular consequence: 5 prime UTR variant.
Genome position (GRCh38, 1-based): chr19:40,407,952, T>G on the plus strand (A>C on the coding strand, the complement: PRX is on the minus strand). VCF-style: chr19-40407952-T-G. GRCh37 (hg19) VCF-style: chr19-40913859-T-G.
Other names: c.-20A>C (NM_020956.2).
Identifiers: ClinVar variation 329291 (VCV000329291.7), dbSNP rs780315081, ClinGen allele CA9444638.
Genomic context (GRCh38, chr19:40,407,952, plus strand): 5'-ACGTGGGCACTCACCTCGGCACTCCGGCTCCTGGCCTCCATGGCGTTGCTGGGAGGCACC[T>G]GCACCCCAGGCTCCTGTGTCCTCTCCCCTTTCTGCTGCAGAACCAGCTTCAGTTCTGCAT-3'